The following is an entry in ClinVar:

ClinVar aggregate classification (germline): Likely benign (1 of 4 stars; one submission).

Submission:

CeGaT Center for Human Genetics Tuebingen
Classification: Likely benign. Last evaluated: 2022-08-01. Review status: criteria provided, single submitter. Criteria: CeGaT Center For Human Genetics Tuebingen Variant Classification Criteria Version 2. Collection method: clinical testing. Allele origin: germline. Affected: yes. Observed: 1 variant allele.
Comment: SPTBN4: PM2:Supporting, BP4, BP7

NM_020971.3(SPTBN4):c.3129G>A (p.Glu1043=)

Gene: SPTBN4 (spectrin beta, non-erythrocytic 4; plus strand). Cytogenetic location: 19q13.2.
Variant type: single nucleotide variant.
Coding change: c.3129G>A on transcript NM_020971.3 (MANE Select); coding-DNA position 3129, G replaced by A.
Protein change: p.Glu1043=; no amino-acid change (glutamic acid 1043 retained).
Molecular consequence: synonymous variant.
Genome position (GRCh38, 1-based): chr19:40,519,626, G>A. VCF-style: chr19-40519626-G-A. GRCh37 (hg19) VCF-style: chr19-41025533-G-A.
Identifiers: ClinVar variation 2649890 (VCV002649890.22), dbSNP rs2515054091, ClinGen allele CA507682169.